The following is an entry in ClinVar:

NM_020778.5(ALPK3):c.1793C>T (p.Thr598Ile)

Gene: ALPK3 (alpha kinase 3; plus strand). Cytogenetic location: 15q25.3.
Variant type: single nucleotide variant.
Coding change: c.1793C>T on transcript NM_020778.5 (MANE Select); coding-DNA position 1793, C replaced by T.
Protein change: p.Thr598Ile; replaces threonine 598 with isoleucine.
Molecular consequence: missense variant.
Genome position (GRCh38, 1-based): chr15:84,856,531, C>T. VCF-style: chr15-84856531-C-T. GRCh37 (hg19) VCF-style: chr15-85399762-C-T.
Other names: short protein forms T598I.
Identifiers: ClinVar variation 3859334 (VCV003859334.1).

ClinVar aggregate classification (germline): Uncertain significance (1 of 4 stars; one submission).

Conditions:
Cardiovascular phenotype. Identifiers: MedGen CN230736.

Submission:

Ambry Genetics
Classification: Uncertain significance for Cardiovascular phenotype. Last evaluated: 2025-01-16. Review status: criteria provided, single submitter. Criteria: Ambry Variant Classification Scheme 2023. Collection method: clinical testing. Allele origin: germline.
Comment: The p.T800I variant (also known as c.2399C>T), located in coding exon 6 of the ALPK3 gene, results from a C to T substitution at nucleotide position 2399. The threonine at codon 800 is replaced by isoleucine, an amino acid with similar properties. This amino acid position is conserved. In addition, this alteration is predicted to be tolerated by in silico analysis. Based on the available evidence, the clinical significance of this variant remains unclear.